The following is an entry in ClinVar:

NM_000352.6(ABCC8):c.4207A>G (p.Ile1403Val)

Gene: ABCC8 (ATP binding cassette subfamily C member 8; minus strand). Cytogenetic location: 11p15.1.
Variant type: single nucleotide variant.
Coding change: c.4207A>G on transcript NM_000352.6 (MANE Select); coding-DNA position 4207, A replaced by G.
Protein change: p.Ile1403Val; replaces isoleucine 1403 with valine.
Molecular consequence: missense variant. On other transcripts: non-coding transcript variant (1).
Genome position (GRCh38, 1-based): chr11:17,395,710, T>C on the plus strand (A>G on the coding strand, the complement: ABCC8 is on the minus strand). VCF-style: chr11-17395710-T-C. GRCh37 (hg19) VCF-style: chr11-17417257-T-C.
Other names: c.4210A>G, p.Ile1404Val (NM_001287174.3); c.4273A>G, p.Ile1425Val (NM_001351295.2); c.4207A>G, p.Ile1403Val (NM_001351296.2); c.4204A>G, p.Ile1402Val (NM_001351297.2); c.4207A>G (NM_000352.4); short protein forms I1402V, I1404V, I1425V, I1403V.
Identifiers: ClinVar variation 2161995 (VCV002161995.6), dbSNP rs913334458, ClinGen allele CA218407992.

ClinVar aggregate classification (germline): Conflicting classifications of pathogenicity. Review status: criteria provided, conflicting classifications (1 of 4 stars). 3 submissions from 3 submitters: Uncertain significance (2); Likely benign (1). Last evaluated 2025-11-10.

Conditions:
ABCC8-related disorder.
Diabetes mellitus, transient neonatal, 2 (TNDM2). Identifiers: Orphanet 99886, MedGen C1835887, MONDO:0012480, OMIM 610374. Disease mechanism: loss of function.
Type 2 diabetes mellitus. Also called: Type II diabetes mellitus. Identifiers: MedGen C0011860, MeSH D003924, MONDO:0005148, OMIM 125853, HP:0005978.
Hyperinsulinemic hypoglycemia, familial, 1 (HHF1). Also called: Persistent hyperinsulinemic hypoglycemia of infancy; HYPERINSULINISM, FAMILIAL, WITH PANCREATIC NESIDIOBLASTOSIS; HYPOGLYCEMIA, HYPERINSULINEMIC, OF INFANCY; NESIDIOBLASTOSIS OF PANCREAS; Persistent Hyperinsulinemia Hypoglycemia of Infancy. Identifiers: Orphanet 276575, Orphanet 276598, MedGen C2931832, MONDO:0009734, OMIM 256450.
Leucine-induced hypoglycemia (LIH). Also called: LEUCINE-SENSITIVE HYPOGLYCEMIA OF INFANCY. Identifiers: MedGen C0271714, MONDO:0009415, OMIM 240800.
Diabetes mellitus, permanent neonatal 3. Also called: ABCC8-Related Permanent Neonatal Diabetes Mellitus. Identifiers: MedGen C5394303, MONDO:0030088, OMIM 618857.

Allele frequency attached by ClinVar (database versions not stated): gnomAD 0.00001; gnomAD exomes 0.00003; TOPMed 0.00003.
gnomAD v4.1: 16 of 1,554,118 alleles (0.001%); highest among the groups gnomAD compares: Admixed American, 0.031%; no homozygotes.

Submissions (3):

Labcorp Genetics (formerly Invitae), Labcorp
Classification: Likely benign. Last evaluated: 2025-11-10. Review status: criteria provided, single submitter. Criteria: Invitae Variant Classification Sherloc (09022015). Collection method: clinical testing. Allele origin: germline.

PreventionGenetics, part of Exact Sciences
Classification: Uncertain significance for ABCC8-related condition. Last evaluated: 2025-06-27. Review status: criteria provided, single submitter. Criteria: ACMG Guidelines, 2015. Collection method: clinical testing. Allele origin: germline.
Comment: The ABCC8 c.4207A>G variant is predicted to result in the amino acid substitution p.Ile1403Val. To our knowledge, this variant has not been reported in the literature. This variant is reported in 0.056% of alleles in individuals of Latino descent in gnomAD. At this time, the clinical significance of this variant is uncertain due to the absence of conclusive functional and genetic evidence.

Fulgent Genetics
Classification: Uncertain significance for Type 2 diabetes mellitus; Leucine-induced hypoglycemia; Hyperinsulinemic hypoglycemia, familial, 1; Diabetes mellitus, transient neonatal, 2; Diabetes mellitus, permanent neonatal 3. Last evaluated: 2024-02-29. Review status: criteria provided, single submitter. Criteria: ACMG Guidelines, 2015. Collection method: clinical testing. Allele origin: germline.